The following is an entry in ClinVar:

NM_004646.4(NPHS1):c.3128_3136delinsCC (p.Gly1043fs)

Gene: NPHS1 (NPHS1 adhesion molecule, nephrin; minus strand). Cytogenetic location: 19q13.12.
Variant type: Indel.
Coding change: c.3128_3136delinsCC on transcript NM_004646.4 (MANE Select); coding-DNA positions 3128 to 3136, GAGAACCTG replaced by CC.
Protein change: p.Gly1043fs; shifts the reading frame from glycine 1043.
Molecular consequence: frameshift variant.
Genome position (GRCh38, 1-based): chr19:35,835,735-35,835,743, CAGGTTCTC replaced by GG on the plus strand (GAGAACCTG replaced by CC on the coding strand, the reverse complement: NPHS1 is on the minus strand). VCF-style: chr19-35835735-CAGGTTCTC-GG. GRCh37 (hg19) VCF-style: chr19-36326637-CAGGTTCTC-GG.
Other names: short protein forms G1043fs.
Identifiers: ClinVar variation 4775728 (VCV004775728.1).
Genomic context (GRCh38, chr19:35,835,735, plus strand): 5'-CCGGGAGGGATCAGGGGACTGAGGACTTGCCTGAAGGTGGCTCTGTGGGCAGCTGGTCTT[CAGGTTCTC>GG]CAGAAGGCTGGTGGAGACCTGGGGGGTGGATATACAGATTGTGACTTAACACTAAGAATC-3'

ClinVar aggregate classification (germline): Pathogenic (1 of 4 stars; one submission).

Submission:

Labcorp Genetics (formerly Invitae), Labcorp
Classification: Pathogenic. Last evaluated: 2020-08-07. Review status: criteria provided, single submitter. Criteria: Invitae Variant Classification Sherloc (09022015). Collection method: clinical testing. Allele origin: germline.
Comment: This sequence change creates a premature translational stop signal (p.Gly1043Alafs*98) in the NPHS1 gene. It is expected to result in an absent or disrupted protein product. The frequency data for this variant in the population databases is not available, as this variant may be reported as separate entries in the ExAC database. This variant has not been reported in the literature in individuals with NPHS1-related conditions. Loss-of-function variants in NPHS1 are known to be pathogenic (PMID: 11317351, 11854170, 12039988). For these reasons, this variant has been classified as Pathogenic.

Literature cited by the submitters: PubMed 11317351; PubMed 11854170; PubMed 12039988.